The following is an entry in ClinVar:

NM_000051.4(ATM):c.7881T>G (p.Tyr2627Ter)

Genes: ATM (ATM serine/threonine kinase; plus strand), C11orf65 (chromosome 11 open reading frame 65; minus strand). Cytogenetic location: 11q22.3.
Variant type: single nucleotide variant.
Coding change: c.7881T>G on transcript NM_000051.4 (MANE Select); coding-DNA position 7881, T replaced by G.
Protein change: p.Tyr2627Ter; replaces tyrosine 2627 with a stop codon.
Molecular consequence: nonsense. On other transcripts: intron variant (2).
Genome position (GRCh38, 1-based): chr11:108,332,854, T>G. VCF-style: chr11-108332854-T-G. GRCh37 (hg19) VCF-style: chr11-108203581-T-G.
Other names: c.7881T>G, p.Tyr2627Ter (NM_001351834.2); c.641-23783A>C (NM_001330368.2); c.*38+2366A>C (NM_001351110.2); short protein forms Y2627*.
Identifiers: ClinVar variation 4720045 (VCV004720045.1).
Genomic context (GRCh38, chr11:108,332,854, plus strand): 5'-TACTATCAGAAGTAGGAGACCTCAGATGGTCAGAAGTGTTGAGGCACTTTGTGATGCTTA[T>G]ATTATATTAGCAAACTTAGATGCCACTCAGTGGAAGACTCAGAGAAGTATGTTTTTTTTA-3'

ClinVar aggregate classification (germline): Pathogenic (1 of 4 stars; one submission).

Conditions:
Ataxia-telangiectasia syndrome (AT). Also called: Ataxia-telangiectasia, complementation group D; AT, COMPLEMENTATION GROUP C; ATAXIA-TELANGIECTASIA, COMPLEMENTATION GROUP A; ATAXIA-TELANGIECTASIA, FRESNO VARIANT; Ataxia-telangiectasia; Ataxia-telangiectasia, complementation group E. Identifiers: Orphanet 100, MedGen C0004135, MONDO:0008840, OMIM 208900.

Submission:

Labcorp Genetics (formerly Invitae), Labcorp
Classification: Pathogenic for Ataxia-telangiectasia syndrome. Last evaluated: 2025-05-22. Review status: criteria provided, single submitter. Criteria: Invitae Variant Classification Sherloc (09022015). Collection method: clinical testing. Allele origin: germline.
Comment: This sequence change creates a premature translational stop signal (p.Tyr2627*) in the ATM gene. It is expected to result in an absent or disrupted protein product. Loss-of-function variants in ATM are known to be pathogenic (PMID: 23807571, 25614872). This variant is not present in population databases (gnomAD no frequency). This variant has not been reported in the literature in individuals affected with ATM-related conditions. Algorithms developed to predict the effect of sequence changes on RNA splicing suggest that this variant may disrupt the consensus splice site. For these reasons, this variant has been classified as Pathogenic.

Literature cited by the submitters: PubMed 23807571; PubMed 25614872.